The following is an entry in ClinVar:

NM_004655.4(AXIN2):c.1424C>T (p.Ser475Leu)

Gene: AXIN2 (axin 2; minus strand). Cytogenetic location: 17q24.1.
Variant type: single nucleotide variant.
Coding change: c.1424C>T on transcript NM_004655.4 (MANE Select); coding-DNA position 1424, C replaced by T.
Protein change: p.Ser475Leu; replaces serine 475 with leucine.
Molecular consequence: missense variant.
Genome position (GRCh38, 1-based): chr17:65,537,612, G>A on the plus strand (C>T on the coding strand, the complement: AXIN2 is on the minus strand). VCF-style: chr17-65537612-G-A. GRCh37 (hg19) VCF-style: chr17-63533730-G-A.
Other names: c.1424C>T, p.Ser475Leu (NM_001363813.1); c.1424C>T (LRG_296t1); short protein forms S475L.
Identifiers: ClinVar variation 533152 (VCV000533152.12), dbSNP rs950007141, ClinGen allele CA400677527.

ClinVar aggregate classification (germline): Uncertain significance. Review status: criteria provided, multiple submitters, no conflicts (2 of 4 stars). 3 submissions from 3 submitters: Uncertain significance (3). Last evaluated 2025-07-06.

Conditions:
Hereditary cancer-predisposing syndrome. Also called: Hereditary neoplastic syndrome; Neoplastic Syndromes, Hereditary; Tumor predisposition; Hereditary Cancer Syndrome. Identifiers: Orphanet 140162, MedGen C0027672, MeSH D009386, MONDO:0015356.
Oligodontia-cancer predisposition syndrome. Also called: TOOTH AGENESIS-COLORECTAL CANCER SYNDROME. Identifiers: Orphanet 300576, MedGen C1837750, MONDO:0012075, OMIM 608615. Disease mechanism: loss of function.

gnomAD v4.1: 1 of 1,599,046 alleles (0.000063%); no homozygotes.

Submissions (3):

Labcorp Genetics (formerly Invitae), Labcorp
Classification: Uncertain significance for Oligodontia-cancer predisposition syndrome. Last evaluated: 2025-07-06. Review status: criteria provided, single submitter. Criteria: Invitae Variant Classification Sherloc (09022015). Collection method: clinical testing. Allele origin: germline.
Comment: This sequence change replaces serine, which is neutral and polar, with leucine, which is neutral and non-polar, at codon 475 of the AXIN2 protein (p.Ser475Leu). This variant is not present in population databases (gnomAD no frequency). This variant has not been reported in the literature in individuals affected with AXIN2-related conditions. ClinVar contains an entry for this variant (Variation ID: 533152). An algorithm developed to predict the effect of missense changes on protein structure and function outputs the following: PolyPhen-2: "Benign". The leucine amino acid residue is found in multiple mammalian species, which suggests that this missense change does not adversely affect protein function. In summary, the available evidence is currently insufficient to determine the role of this variant in disease. Therefore, it has been classified as a Variant of Uncertain Significance.

Quest Diagnostics Nichols Institute San Juan Capistrano
Classification: Uncertain significance. Last evaluated: 2024-10-24. Review status: criteria provided, single submitter. Criteria: Quest Diagnostics criteria. Collection method: clinical testing. Allele origin: unknown.
Comment: The AXIN2 c.1424C>T (p.Ser475Leu) variant has not been reported in individuals with AXIN2-related conditions in the published literature. It also has not been reported in large, multi-ethnic general populations (Genome Aggregation Database). Analysis of this variant using bioinformatics tools for the prediction of the effect of amino acid changes on protein structure and function yielded predictions that this variant is benign. Based on the available information, we are unable to determine the clinical significance of this variant.

Ambry Genetics
Classification: Uncertain significance for Hereditary cancer-predisposing syndrome. Last evaluated: 2024-03-17. Review status: criteria provided, single submitter. Criteria: Ambry Variant Classification Scheme 2023. Collection method: clinical testing. Allele origin: germline.
Comment: The p.S475L variant (also known as c.1424C>T), located in coding exon 5 of the AXIN2 gene, results from a C to T substitution at nucleotide position 1424. The serine at codon 475 is replaced by leucine, an amino acid with dissimilar properties. This amino acid position is conserved. In addition, this alteration is predicted to be tolerated by in silico analysis. Since supporting evidence is limited at this time, the clinical significance of this alteration remains unclear.